The following is an entry in ClinVar:

ClinVar aggregate classification (germline): Uncertain significance (1 of 4 stars; one submission).

Submission:

Labcorp Genetics (formerly Invitae), Labcorp
Classification: Uncertain significance. Last evaluated: 2021-06-12. Review status: criteria provided, single submitter. Criteria: Invitae Variant Classification Sherloc (09022015). Collection method: clinical testing. Allele origin: germline.
Comment: In summary, the available evidence is currently insufficient to determine the role of this variant in disease. Therefore, it has been classified as a Variant of Uncertain Significance. Algorithms developed to predict the effect of missense changes on protein structure and function are either unavailable or do not agree on the potential impact of this missense change (SIFT: "Deleterious"; PolyPhen-2: "Possibly Damaging"; Align-GVGD: "Class C0"). This variant has not been reported in the literature in individuals with ATP1A1-related conditions. This variant is not present in population databases (ExAC no frequency). This sequence change replaces glutamine with arginine at codon 930 of the ATP1A1 protein (p.Gln930Arg). The glutamine residue is highly conserved and there is a small physicochemical difference between glutamine and arginine.

NM_000701.8(ATP1A1):c.2789A>G (p.Gln930Arg)

Genes: ATP1A1 (ATPase Na+/K+ transporting subunit alpha 1; plus strand), ATP1A1-AS1 (ATP1A1 antisense RNA 1; minus strand). Cytogenetic location: 1p13.1.
Variant type: single nucleotide variant.
Coding change: c.2789A>G on transcript NM_000701.8 (MANE Select); coding-DNA position 2789, A replaced by G.
Protein change: p.Gln930Arg; replaces glutamine 930 with arginine.
Molecular consequence: missense variant.
Genome position (GRCh38, 1-based): chr1:116,401,200, A>G. VCF-style: chr1-116401200-A-G. GRCh37 (hg19) VCF-style: chr1-116943822-A-G.
Other names: c.2789A>G, p.Gln930Arg (NM_001160233.2); c.2696A>G, p.Gln899Arg (NM_001160234.2); short protein forms Q899R, Q930R.
Identifiers: ClinVar variation 1360499 (VCV001360499.8), dbSNP rs2101066476, ClinGen allele CA341775660.